The following is an entry in ClinVar:

NM_001079802.2(FKTN):c.1056C>G (p.Ser352Arg)

Gene: FKTN (fukutin; plus strand). Cytogenetic location: 9q31.2.
Variant type: single nucleotide variant.
Coding change: c.1056C>G on transcript NM_001079802.2 (MANE Select); coding-DNA position 1056, C replaced by G.
Protein change: p.Ser352Arg; replaces serine 352 with arginine.
Molecular consequence: missense variant. On other transcripts: non-coding transcript variant (2).
Genome position (GRCh38, 1-based): chr9:105,619,945, C>G. VCF-style: chr9-105619945-C-G. GRCh37 (hg19) VCF-style: chr9-108382226-C-G.
Other names: c.1056C>G, p.Ser352Arg (NM_001198963.2, NM_001351496.2, NM_001351498.2 and 1 more transcripts); c.987C>G, p.Ser329Arg (NM_001351497.2); c.660C>G, p.Ser220Arg (NM_001351499.2, NM_001351500.2, NM_001351501.2 and 1 more transcripts); short protein forms S352R, S220R, S329R.
Identifiers: ClinVar variation 459217 (VCV000459217.13), dbSNP rs149085844, ClinGen allele CA5170567.
Genomic context (GRCh38, chr9:105,619,945, plus strand): 5'-AATGTATTTCCTTTGTTTCAGTGTGTGAAGGTTTTCATCTTCCCCATAGGTAGAAGACAG[C>G]TTGGAACTATCCTTCCAGGGAAAAGATGATGTAAAACTTGATGTTTTTTTCTTCTATGAA-3'
Protein context (NP_001073270.1, residues 342-362): LKHKFGKVED[Ser352Arg]LELSFQGKDD

ClinVar aggregate classification (germline): Uncertain significance. Review status: criteria provided, multiple submitters, no conflicts (2 of 4 stars). 3 submissions from 3 submitters: Uncertain significance (2). 1 of the submissions does not count toward it. Last evaluated 2024-02-06.

Conditions:
Cardiovascular phenotype. Identifiers: MedGen CN230736.
Walker-Warburg congenital muscular dystrophy. Also called: Muscular dystrophy-dystroglycanopathy, type A; Walker-Warburg syndrome. Identifiers: Orphanet 899, MedGen C0265221, MONDO:0000171.

Allele frequency attached by ClinVar (database versions not stated): gnomAD 0.00001; gnomAD exomes 0.00001; TOPMed 0.00002; ExAC 0.00003; ESP Exome Variant Server 0.00015.
gnomAD v4.1: 5 of 1,612,028 alleles (0.00031%); highest among the groups gnomAD compares: Non-Finnish European, 0.00042%; no homozygotes.

Submissions (3):

Ambry Genetics
Classification: Uncertain significance for Cardiovascular phenotype. Last evaluated: 2024-02-06. Review status: criteria provided, single submitter. Criteria: Ambry Variant Classification Scheme 2023. Collection method: clinical testing. Allele origin: germline.
Comment: The p.S352R variant (also known as c.1056C>G), located in coding exon 8 of the FKTN gene, results from a C to G substitution at nucleotide position 1056. The serine at codon 352 is replaced by arginine, an amino acid with dissimilar properties. This amino acid position is conserved. In addition, this alteration is predicted to be deleterious by in silico analysis. Based on the available evidence, the clinical significance of this alteration remains unclear.

Labcorp Genetics (formerly Invitae), Labcorp
Classification: Uncertain significance for Walker-Warburg congenital muscular dystrophy. Last evaluated: 2021-08-24. Review status: criteria provided, single submitter. Criteria: Invitae Variant Classification Sherloc (09022015). Collection method: clinical testing. Allele origin: germline.
Comment: This sequence change replaces serine with arginine at codon 352 of the FKTN protein (p.Ser352Arg). The serine residue is highly conserved and there is a moderate physicochemical difference between serine and arginine. This variant is present in population databases (rs149085844, ExAC 0.005%). This variant has not been reported in the literature in individuals affected with FKTN-related conditions. Algorithms developed to predict the effect of missense changes on protein structure and function (SIFT, PolyPhen-2, Align-GVGD) all suggest that this variant is likely to be disruptive. Algorithms developed to predict the effect of sequence changes on RNA splicing suggest that this variant may create or strengthen a splice site. In summary, the available evidence is currently insufficient to determine the role of this variant in disease. Therefore, it has been classified as a Variant of Uncertain Significance.

Natera, Inc.
Classification: Uncertain significance for Walker-Warburg congenital muscular dystrophy. Last evaluated: 2020-01-14. Review status: no assertion criteria provided. Collection method: clinical testing. Allele origin: germline. Not counted in ClinVar's aggregate classification.